The following is an entry in ClinVar:

ClinVar aggregate classification (germline): Uncertain significance (1 of 4 stars; one submission).

Allele frequency attached by ClinVar (database versions not stated): ExAC 0.00001; gnomAD 0.00001; TOPMed 0.00001.
gnomAD v4.1: 12 of 1,613,986 alleles (0.00074%); highest among the groups gnomAD compares: Non-Finnish European, 0.00093%; no homozygotes.

Submission:

Labcorp Genetics (formerly Invitae), Labcorp
Classification: Uncertain significance. Last evaluated: 2025-09-02. Review status: criteria provided, single submitter. Criteria: Invitae Variant Classification Sherloc (09022015). Collection method: clinical testing. Allele origin: germline.
Comment: This sequence change replaces glycine, which is neutral and non-polar, with glutamic acid, which is acidic and polar, at codon 44 of the SPECC1L protein (p.Gly44Glu). This variant is present in population databases (rs777320040, gnomAD 0.003%). This variant has not been reported in the literature in individuals affected with SPECC1L-related conditions. ClinVar contains an entry for this variant (Variation ID: 1443052). An algorithm developed to predict the effect of missense changes on protein structure and function (PolyPhen-2) suggests that this variant is likely to be tolerated. In summary, the available evidence is currently insufficient to determine the role of this variant in disease. Therefore, it has been classified as a Variant of Uncertain Significance.

NM_015330.6(SPECC1L):c.131G>A (p.Gly44Glu)

Genes: SPECC1L-ADORA2A (SPECC1L-ADORA2A readthrough (NMD candidate); plus strand), SPECC1L (sperm antigen with calponin homology and coiled-coil domains 1 like; plus strand). Cytogenetic location: 22q11.23.
Variant type: single nucleotide variant.
Coding change: c.131G>A on transcript NM_015330.6 (MANE Select); coding-DNA position 131, G replaced by A.
Protein change: p.Gly44Glu; replaces glycine 44 with glutamic acid.
Molecular consequence: missense variant. On other transcripts: non-coding transcript variant (1).
Genome position (GRCh38, 1-based): chr22:24,302,362, G>A. VCF-style: chr22-24302362-G-A. GRCh37 (hg19) VCF-style: chr22-24698330-G-A.
Other names: c.131G>A, p.Gly44Glu (NM_001145468.4, NM_001254732.3); short protein forms G44E.
Identifiers: ClinVar variation 1443052 (VCV001443052.8), dbSNP rs777320040, ClinGen allele CA10151871.